The following is an entry in ClinVar:

ClinVar aggregate classification (germline): Uncertain significance (1 of 4 stars; one submission).

Allele frequency attached by ClinVar (database versions not stated): TOPMed below 0.00001.
gnomAD v4.1: 1 of 1,468,114 alleles (0.000068%); highest among the groups gnomAD compares: Admixed American, 0.0022%; no homozygotes.

Submission:

Ambry Genetics
Classification: Uncertain significance. Last evaluated: 2022-02-07. Review status: criteria provided, single submitter. Criteria: Ambry Variant Classification Scheme 2023. Collection method: clinical testing. Allele origin: germline.
Comment: The p.D30Y variant (also known as c.88G>T), located in coding exon 1 of the RASA2 gene, results from a G to T substitution at nucleotide position 88. The aspartic acid at codon 30 is replaced by tyrosine, an amino acid with highly dissimilar properties. This amino acid position is conserved. In addition, the in silico prediction for this alteration is inconclusive. Since supporting evidence is limited at this time, the clinical significance of this alteration remains unclear.

NM_006506.5(RASA2):c.88G>T (p.Asp30Tyr)

Genes: RASA2 (RAS p21 protein activator 2; plus strand), LOC129937686 (ATAC-STARR-seq lymphoblastoid silent region 14777; plus strand). Cytogenetic location: 3q23.
Variant type: single nucleotide variant.
Coding change: c.88G>T on transcript NM_006506.5 (MANE Select); coding-DNA position 88, G replaced by T.
Protein change: p.Asp30Tyr; replaces aspartic acid 30 with tyrosine.
Molecular consequence: missense variant.
Genome position (GRCh38, 1-based): chr3:141,487,171, G>T. VCF-style: chr3-141487171-G-T. GRCh37 (hg19) VCF-style: chr3-141206013-G-T.
Other names: c.88G>T, p.Asp30Tyr (NM_001303245.3, NM_001303246.3); short protein forms D30Y.
Identifiers: ClinVar variation 1765051 (VCV001765051.2), dbSNP rs1384554972, ClinGen allele CA354773917.